The following is an entry in ClinVar:

ClinVar aggregate classification (germline): Uncertain significance (1 of 4 stars; one submission).

Submission:

Labcorp Genetics (formerly Invitae), Labcorp
Classification: Uncertain significance. Last evaluated: 2022-07-26. Review status: criteria provided, single submitter. Criteria: Invitae Variant Classification Sherloc (09022015). Collection method: clinical testing. Allele origin: germline.
Comment: This sequence change replaces tyrosine, which is neutral and polar, with phenylalanine, which is neutral and non-polar, at codon 104 of the GPAA1 protein (p.Tyr104Phe). This variant is not present in population databases (gnomAD no frequency). This variant has not been reported in the literature in individuals affected with GPAA1-related conditions. Algorithms developed to predict the effect of missense changes on protein structure and function (SIFT, PolyPhen-2, Align-GVGD) all suggest that this variant is likely to be tolerated. In summary, the available evidence is currently insufficient to determine the role of this variant in disease. Therefore, it has been classified as a Variant of Uncertain Significance.

NM_003801.4(GPAA1):c.311A>T (p.Tyr104Phe)

Gene: GPAA1 (glycosylphosphatidylinositol anchor attachment 1; plus strand). Cytogenetic location: 8q24.3.
Variant type: single nucleotide variant.
Coding change: c.311A>T on transcript NM_003801.4 (MANE Select); coding-DNA position 311, A replaced by T.
Protein change: p.Tyr104Phe; replaces tyrosine 104 with phenylalanine.
Molecular consequence: missense variant.
Genome position (GRCh38, 1-based): chr8:144,083,445, A>T. VCF-style: chr8-144083445-A-T. GRCh37 (hg19) VCF-style: chr8-145138348-A-T.
Other names: short protein forms Y104F.
Identifiers: ClinVar variation 2116211 (VCV002116211.1), dbSNP rs2537314420, ClinGen allele CA372598079.
Genomic context (GRCh38, chr8:144,083,445, plus strand): 5'-GCAGGGCTCTGCCAGTGGCCTGGCTTGAACGGACGATGCGGTCAGTAGGGCTGGAGGTCT[A>T]CACGCAGAGTTTCTCCCGGAAACTGCCCTTCCCAGATGAGACCCACGAGCGCTATGTACT-3'
Protein context (NP_003792.1, residues 94-114): RTMRSVGLEV[Tyr104Phe]TQSFSRKLPF